The following is an entry in ClinVar:

ClinVar aggregate classification (germline): Likely pathogenic (1 of 4 stars; one submission).

Conditions:
Sulfite oxidase deficiency. Also called: Isolated sulfite oxidase deficiency. Identifiers: Orphanet 833, Orphanet 99731, MedGen C0268624, MONDO:0010089, OMIM 272300, HP:0003643.

Allele frequency attached by ClinVar (database versions not stated): gnomAD exomes below 0.00001 and 0.00001; ExAC 0.00001; TOPMed 0.00002; gnomAD 0.00003.

Submission:

Labcorp Genetics (formerly Invitae), Labcorp
Classification: Likely pathogenic for Sulfite oxidase deficiency. Last evaluated: 2025-01-19. Review status: criteria provided, single submitter. Criteria: Invitae Variant Classification Sherloc (09022015). Collection method: clinical testing. Allele origin: germline.
Comment: This sequence change creates a premature translational stop signal (p.Val438Aspfs*5) in the SUOX gene. While this is not anticipated to result in nonsense mediated decay, it is expected to disrupt the last 108 amino acid(s) of the SUOX protein. This variant is present in population databases (rs778431071, gnomAD 0.02%). This premature translational stop signal has been observed in individual(s) with sulfite oxidase deficiency (PMID: 16140720; internal data). ClinVar contains an entry for this variant (Variation ID: 938805). In summary, the currently available evidence indicates that the variant is pathogenic, but additional data are needed to prove that conclusively. Therefore, this variant has been classified as Likely Pathogenic.

Literature cited by the submitters: PubMed 16140720.

NM_001032386.2(SUOX):c.1313_1316del (p.Val438fs)

Gene: SUOX (sulfite oxidase; plus strand). Cytogenetic location: 12q13.2.
Variant type: Deletion.
Coding change: c.1313_1316del on transcript NM_001032386.2 (MANE Select); coding-DNA positions 1313 to 1316, 4 bases deleted (TAGA; older notation c.1313_1316delTAGA).
Protein change: p.Val438fs; shifts the reading frame from valine 438.
Molecular consequence: frameshift variant.
Genome position (GRCh38, 1-based): chr12:56,004,702-56,004,705, TAGA deleted. VCF-style (leftmost placement, unchanged base first): chr12-56004701-GTAGA-G. GRCh37 (hg19) VCF-style: chr12-56398485-GTAGA-G.
Other names: c.1313_1316del, p.Val438fs (NM_000456.3, NM_001032387.2); short protein forms V438fs.
Identifiers: ClinVar variation 938805 (VCV000938805.11), dbSNP rs778431071, ClinGen allele CA6621151.